The following is an entry in ClinVar:

NM_000179.3(MSH6):c.3449T>C (p.Leu1150Ser)

Gene: MSH6 (mutS homolog 6; plus strand). Cytogenetic location: 2p16.3.
Variant type: single nucleotide variant.
Coding change: c.3449T>C on transcript NM_000179.3 (MANE Select); coding-DNA position 3449, T replaced by C.
Protein change: p.Leu1150Ser; replaces leucine 1150 with serine.
Molecular consequence: missense variant.
Genome position (GRCh38, 1-based): chr2:47,804,920, T>C. VCF-style: chr2-47804920-T-C. GRCh37 (hg19) VCF-style: chr2-48032059-T-C.
Other names: c.3059T>C, p.Leu1020Ser (NM_001281492.2); c.2543T>C, p.Leu848Ser (NM_001281493.2, NM_001281494.2); short protein forms L1020S, L1150S, L848S.
Identifiers: ClinVar variation 650169 (VCV000650169.12), dbSNP rs1057517763, ClinGen allele CA346759964.

ClinVar aggregate classification (germline): Uncertain significance. Review status: criteria provided, multiple submitters, no conflicts (2 of 4 stars). 3 submissions from 3 submitters: Uncertain significance (3). Last evaluated 2025-12-22.

Conditions:
Hereditary cancer-predisposing syndrome. Also called: Neoplastic Syndromes, Hereditary; Tumor predisposition; Hereditary Cancer Syndrome; Hereditary neoplastic syndrome. Identifiers: Orphanet 140162, MedGen C0027672, MeSH D009386, MONDO:0015356.
Hereditary nonpolyposis colorectal neoplasms. Identifiers: MedGen C0009405, MeSH D003123.

Submissions (3):

Labcorp Genetics (formerly Invitae), Labcorp
Classification: Uncertain significance for Hereditary nonpolyposis colorectal neoplasms. Last evaluated: 2025-12-22. Review status: criteria provided, single submitter. Criteria: Invitae Variant Classification Sherloc (09022015). Collection method: clinical testing. Allele origin: germline.
Comment: This sequence change replaces leucine, which is neutral and non-polar, with serine, which is neutral and polar, at codon 1150 of the MSH6 protein (p.Leu1150Ser). This variant is not present in population databases (gnomAD no frequency). This variant has not been reported in the literature in individuals affected with MSH6-related conditions. ClinVar contains an entry for this variant (Variation ID: 650169). Invitae Evidence Modeling of protein sequence and biophysical properties (such as structural, functional, and spatial information, amino acid conservation, physicochemical variation, residue mobility, and thermodynamic stability) has been performed for this missense variant. However, the output from this modeling did not meet the statistical confidence thresholds required to predict the impact of this variant on MSH6 protein function. In summary, the available evidence is currently insufficient to determine the role of this variant in disease. Therefore, it has been classified as a Variant of Uncertain Significance.

Ambry Genetics
Classification: Uncertain significance for Hereditary cancer-predisposing syndrome. Last evaluated: 2024-10-11. Review status: criteria provided, single submitter. Criteria: Ambry Variant Classification Scheme 2023. Collection method: clinical testing. Allele origin: germline.
Comment: The p.L1150S variant (also known as c.3449T>C), located in coding exon 6 of the MSH6 gene, results from a T to C substitution at nucleotide position 3449. The leucine at codon 1150 is replaced by serine, an amino acid with dissimilar properties. This amino acid position is conserved. In addition, the in silico prediction for this alteration is inconclusive. Based on the available evidence, the clinical significance of this variant remains unclear.

Color Diagnostics, LLC DBA Color Health
Classification: Uncertain significance for Hereditary cancer-predisposing syndrome. Last evaluated: 2018-12-03. Review status: criteria provided, single submitter. Criteria: ACMG Guidelines, 2015. Collection method: clinical testing. Allele origin: germline.